The following is an entry in ClinVar:

ClinVar aggregate classification (germline): Likely pathogenic (1 of 4 stars; one submission).

Conditions:
Deficiency of adenosine deaminase 2. Also called: Adenosine Deaminase 2 Deficiency; Polyarteritis nodosa, childhoood-onset; VASCULITIS, AUTOINFLAMMATION, IMMUNODEFICIENCY, AND HEMATOLOGIC DEFECTS SYNDROME. Identifiers: Orphanet 404553, MedGen C3887654, MONDO:0014306, OMIM 615688, MONDO:0100317.

Submission:

Broad Center for Mendelian Genomics, Broad Institute of MIT and Harvard
Classification: Likely pathogenic for Deficiency of adenosine deaminase 2. Last evaluated: 2023-05-02. Review status: criteria provided, single submitter. Criteria: ACMG Guidelines, 2015. Collection method: curation. Allele origin: germline. Inheritance: Autosomal recessive inheritance.
Comment: The c.-47+2T>C variant in ADA2 has been previously reported in three siblings with vasculitis, autoinflammation, immunodeficiency, and hematologic defects syndrome, and segregated with disease in these affected relatives from this one family reported (PMID: 32638197). This variant was absent from large population studies. RNAseq analysis performed on affected tissue showed evidence of substantially reduced levels of the mature ADA2 transcript and altered splicing in the residual pre-mRNAs, and RT-PCR analysis performed on affected tissue showed an approximately 50% decrease in ADA2 mRNA levels in individuals with the variant, as compared to unaffected controls (PMID: 32638197). This variant is located in the 5' splice region. Computational tools predict a splicing impact, though this information is not predictive enough to determine pathogenicity. There is an in-frame cryptic splice site 75 bases from the intron-exon boundary, providing evidence that this variant may delete 25 amino acids instead of causing loss of function. However, this information is not predictive enough to determine pathogenicity. Loss of function of the ADA2 gene is an established disease mechanism in autosomal recessive vasculitis, autoinflammation, immunodeficiency, and hematologic defects syndrome. In summary, although additional studies are required to fully establish its clinical significance, this variant is likely pathogenic for autosomal recessive vasculitis, autoinflammation, immunodeficiency, and hematologic defects syndrome. ACMG/AMP Criteria applied: PVS1_Moderate, PS3_Moderate, PM2_Supporting, PM3, PP1 (Richards 2015).

Literature cited by the submitters: PubMed 32638197.

NM_001282225.2(ADA2):c.-47+2T>C

Gene: ADA2 (adenosine deaminase 2; minus strand). Cytogenetic location: 22q11.1.
Variant type: single nucleotide variant.
Coding change: c.-47+2T>C on transcript NM_001282225.2 (MANE Select); the canonical splice donor site of the intron after 47 bases upstream of the start codon, T replaced by C.
Molecular consequence: splice donor variant. On other transcripts: intron variant (1).
Genome position (GRCh38, 1-based): chr22:17,219,354, A>G on the plus strand (T>C on the coding strand, the complement: ADA2 is on the minus strand). VCF-style: chr22-17219354-A-G. GRCh37 (hg19) VCF-style: chr22-17700244-A-G.
Other names: NM_001282229.2:c.-39+2T>C; c.-48+2373T>C (NM_001282227.2); c.-39+2T>C (NM_001282229.2); c.-48+2T>C (NM_001282228.2); c.-14+2T>C (NM_001282226.2).
Identifiers: ClinVar variation 2500842 (VCV002500842.1), dbSNP rs2517379776, ClinGen allele CA2573332084.